The following is an entry in ClinVar:

NM_032043.3(BRIP1):c.1526G>A (p.Gly509Asp)

Gene: BRIP1 (BRCA1 interacting DNA helicase 1; minus strand). Cytogenetic location: 17q23.2.
Variant type: single nucleotide variant.
Coding change: c.1526G>A on transcript NM_032043.3 (MANE Select); coding-DNA position 1526, G replaced by A.
Protein change: p.Gly509Asp; replaces glycine 509 with aspartic acid.
Molecular consequence: missense variant.
Genome position (GRCh38, 1-based): chr17:61,784,372, C>T on the plus strand (G>A on the coding strand, the complement: BRIP1 is on the minus strand). VCF-style: chr17-61784372-C-T. GRCh37 (hg19) VCF-style: chr17-59861733-C-T.
Other names: short protein forms G509D.
Identifiers: ClinVar variation 479459 (VCV000479459.16), dbSNP rs1555603567, ClinGen allele CA400481301.

ClinVar aggregate classification (germline): Uncertain significance. Review status: criteria provided, multiple submitters, no conflicts (2 of 4 stars). 2 submissions from 2 submitters: Uncertain significance (2). Last evaluated 2019-05-29.

Conditions:
Hereditary cancer-predisposing syndrome. Also called: Tumor predisposition; Neoplastic Syndromes, Hereditary; Hereditary Cancer Syndrome; Hereditary neoplastic syndrome. Identifiers: Orphanet 140162, MedGen C0027672, MeSH D009386, MONDO:0015356.
Fanconi anemia complementation group J. Also called: BRIP1-Related Fanconi Anemia. Identifiers: Orphanet 84, MedGen C1836860, MONDO:0012187, OMIM 609054.
Familial cancer of breast. Also called: BREAST CANCER, FAMILIAL; Hereditary breast cancer; hereditary breast carcinoma. Identifiers: Orphanet 227535, MedGen C0346153, MONDO:0016419, OMIM 114480. Disease mechanism: loss of function.

Submissions (2):

Labcorp Genetics (formerly Invitae), Labcorp
Classification: Uncertain significance for Familial cancer of breast; Fanconi anemia complementation group J. Last evaluated: 2019-05-29. Review status: criteria provided, single submitter. Criteria: Invitae Variant Classification Sherloc (09022015). Collection method: clinical testing. Allele origin: germline.
Comment: Algorithms developed to predict the effect of missense changes on protein structure and function are either unavailable or do not agree on the potential impact of this missense change (SIFT: "Tolerated"; PolyPhen-2: "Probably Damaging"; Align-GVGD: "Class C0"). This sequence change replaces glycine with aspartic acid at codon 509 of the BRIP1 protein (p.Gly509Asp). The glycine residue is highly conserved and there is a moderate physicochemical difference between glycine and aspartic acid. This variant is not present in population databases (ExAC no frequency). This variant has not been reported in the literature in individuals with BRIP1-related conditions. ClinVar contains an entry for this variant (Variation ID: 479459). In summary, the available evidence is currently insufficient to determine the role of this variant in disease. Therefore, it has been classified as a Variant of Uncertain Significance.

Ambry Genetics
Classification: Uncertain significance for Hereditary cancer-predisposing syndrome. Last evaluated: 2016-12-08. Review status: criteria provided, single submitter. Criteria: Ambry Variant Classification Scheme 2023. Collection method: clinical testing. Allele origin: germline.
Comment: The p.G509D variant (also known as c.1526G>A), located in coding exon 10 of the BRIP1 gene, results from a G to A substitution at nucleotide position 1526. The glycine at codon 509 is replaced by aspartic acid, an amino acid with similar properties. This amino acid position is highly conserved in available vertebrate species. In addition, this alteration is predicted to be deleterious by in silico analysis. Since supporting evidence is limited at this time, the clinical significance of this alteration remains unclear.